The following is an entry in ClinVar:

NM_003640.5(ELP1):c.649+1G>A

Gene: ELP1 (elongator acetyltransferase complex subunit 1; minus strand). Cytogenetic location: 9q31.3.
Variant type: single nucleotide variant.
Coding change: c.649+1G>A on transcript NM_003640.5 (MANE Select); the canonical splice donor site of the intron after coding-DNA position 649, G replaced by A.
Molecular consequence: splice donor variant. On other transcripts: intron variant (1).
Genome position (GRCh38, 1-based): chr9:108,919,252, C>T on the plus strand (G>A on the coding strand, the complement: ELP1 is on the minus strand). VCF-style: chr9-108919252-C-T. GRCh37 (hg19) VCF-style: chr9-111681532-C-T.
Other names: c.307+1G>A (NM_001318360.2); c.-307-1582G>A (NM_001330749.2).
Identifiers: ClinVar variation 1477663 (VCV001477663.8), dbSNP rs1564102412, ClinGen allele CA374387252.

ClinVar aggregate classification (germline): Likely pathogenic (1 of 4 stars; one submission).

gnomAD v4.1: 1 of 1,605,126 alleles (0.000062%); highest among the groups gnomAD compares: South Asian, 0.0011%; no homozygotes.

Submission:

Labcorp Genetics (formerly Invitae), Labcorp
Classification: Likely pathogenic. Last evaluated: 2021-05-27. Review status: criteria provided, single submitter. Criteria: Invitae Variant Classification Sherloc (09022015). Collection method: clinical testing. Allele origin: germline.
Comment: Algorithms developed to predict the effect of sequence changes on RNA splicing suggest that this variant may disrupt the consensus splice site, but this prediction has not been confirmed by published transcriptional studies. This variant has not been reported in the literature in individuals with ELP1-related conditions. This variant is not present in population databases (ExAC no frequency). This sequence change affects a donor splice site in intron 7 of the ELP1 gene. It is expected to disrupt RNA splicing. Variants that disrupt the donor or acceptor splice site typically lead to a loss of protein function (PMID: 16199547), and loss-of-function variants in ELP1 are known to be pathogenic (PMID: 18303054, 24173031). In summary, the currently available evidence indicates that the variant is pathogenic, but additional data are needed to prove that conclusively. Therefore, this variant has been classified as Likely Pathogenic.

Literature cited by the submitters: PubMed 16199547; PubMed 18303054; PubMed 24173031.